The following is an entry in ClinVar:

ClinVar aggregate classification (germline): Uncertain significance (1 of 4 stars; one submission).

Conditions:
Fanconi anemia (FA). Also called: Fanconi's anemia. Identifiers: Orphanet 84, MedGen C0015625, MeSH D005199, MONDO:0019391.

Allele frequency attached by ClinVar (database versions not stated): gnomAD 0.00001; TOPMed 0.00001.
gnomAD v4.1: 2 of 1,610,524 alleles (0.00012%); highest among the groups gnomAD compares: African/African-American, 0.0027%; no homozygotes.

Submission:

Labcorp Genetics (formerly Invitae), Labcorp
Classification: Uncertain significance for Fanconi anemia. Last evaluated: 2021-06-30. Review status: criteria provided, single submitter. Criteria: Invitae Variant Classification Sherloc (09022015). Collection method: clinical testing. Allele origin: germline.
Comment: This sequence change replaces glutamine with arginine at codon 58 of the FANCL protein (p.Gln58Arg). The glutamine residue is moderately conserved and there is a small physicochemical difference between glutamine and arginine. This variant is not present in population databases (ExAC no frequency). This variant has not been reported in the literature in individuals affected with FANCL-related conditions. Algorithms developed to predict the effect of missense changes on protein structure and function (SIFT, PolyPhen-2, Align-GVGD) all suggest that this variant is likely to be tolerated. In summary, the available evidence is currently insufficient to determine the role of this variant in disease. Therefore, it has been classified as a Variant of Uncertain Significance.

NM_018062.4(FANCL):c.173A>G (p.Gln58Arg)

Gene: FANCL (FA complementation group L; minus strand). Cytogenetic location: 2p16.1.
Variant type: single nucleotide variant.
Coding change: c.173A>G on transcript NM_018062.4 (MANE Select); coding-DNA position 173, A replaced by G.
Protein change: p.Gln58Arg; replaces glutamine 58 with arginine.
Molecular consequence: missense variant.
Genome position (GRCh38, 1-based): chr2:58,229,857, T>C on the plus strand (A>G on the coding strand, the complement: FANCL is on the minus strand). VCF-style: chr2-58229857-T-C. GRCh37 (hg19) VCF-style: chr2-58456992-T-C.
Other names: c.173A>G, p.Gln58Arg (NM_001114636.2, NM_001374615.1, NM_001410792.1); short protein forms Q58R.
Identifiers: ClinVar variation 1450598 (VCV001450598.8), dbSNP rs1363031365, ClinGen allele CA347034836.
Genomic context (GRCh38, chr2:58,229,857, plus strand): 5'-TTTTAAAAAGGACTTACCTGTTGTACTATTCGATGGTATCCACTAAGTATTGTTCTCAGC[T>C]GCCAACTACATAATAATCTAAAATTTTAATGAGACAAAATGGTTTATTCATTGTTCAGAA-3'
Protein context (NP_060532.2, residues 48-68): LKNARLLCSW[Gln58Arg]LRTILSGYHR